The following is an entry in ClinVar:

NM_012469.4(PRPF6):c.854G>A (p.Gly285Glu)

Gene: PRPF6 (pre-mRNA processing factor 6; plus strand). Cytogenetic location: 20q13.33.
Variant type: single nucleotide variant.
Coding change: c.854G>A on transcript NM_012469.4 (MANE Select); coding-DNA position 854, G replaced by A.
Protein change: p.Gly285Glu; replaces glycine 285 with glutamic acid.
Molecular consequence: missense variant.
Genome position (GRCh38, 1-based): chr20:63,999,127, G>A. VCF-style: chr20-63999127-G-A. GRCh37 (hg19) VCF-style: chr20-62630480-G-A.
Other names: short protein forms G285E.
Identifiers: ClinVar variation 2809230 (VCV002809230.3), dbSNP rs1260856035, ClinGen allele CA409718080.

ClinVar aggregate classification (germline): Uncertain significance (1 of 4 stars; one submission).

Allele frequency attached by ClinVar (database versions not stated): gnomAD exomes below 0.00001.

Submission:

Labcorp Genetics (formerly Invitae), Labcorp
Classification: Uncertain significance. Last evaluated: 2023-08-01. Review status: criteria provided, single submitter. Criteria: Invitae Variant Classification Sherloc (09022015). Collection method: clinical testing. Allele origin: germline.
Comment: This variant is not present in population databases (gnomAD no frequency). This sequence change replaces glycine, which is neutral and non-polar, with glutamic acid, which is acidic and polar, at codon 285 of the PRPF6 protein (p.Gly285Glu). In summary, the available evidence is currently insufficient to determine the role of this variant in disease. Therefore, it has been classified as a Variant of Uncertain Significance. Advanced modeling of protein sequence and biophysical properties (such as structural, functional, and spatial information, amino acid conservation, physicochemical variation, residue mobility, and thermodynamic stability) performed at Invitae indicates that this missense variant is not expected to disrupt PRPF6 protein function. This variant has not been reported in the literature in individuals affected with PRPF6-related conditions.